The following is an entry in ClinVar:

ClinVar aggregate classification (germline): Likely benign. Review status: criteria provided, multiple submitters, no conflicts (2 of 4 stars). 2 submissions from 2 submitters: Likely benign (2). Last evaluated 2025-05-20.

Conditions:
KIDINS220-related disorder. Also called: KIDINS220-related condition.

Allele frequency attached by ClinVar (database versions not stated): gnomAD 0.00001 and 0.00002; gnomAD exomes 0.00002 and 0.00003; ExAC 0.00004; 1000 Genomes Project 30x 0.00016; 1000 Genomes Project 0.00040.
gnomAD v4.1: 28 of 1,613,128 alleles (0.0017%); highest among the groups gnomAD compares: Middle Eastern, 0.017%; no homozygotes.

Submissions (2):

PreventionGenetics, part of Exact Sciences
Classification: Likely benign for KIDINS220-related condition. Last evaluated: 2025-05-20. Review status: criteria provided, single submitter. Criteria: ACMG Guidelines, 2015. Collection method: clinical testing. Allele origin: germline.
Comment: This variant is classified as likely benign based on ACMG/AMP sequence variant interpretation guidelines (Richards et al. 2015 PMID: 25741868, with internal and published modifications).

Labcorp Genetics (formerly Invitae), Labcorp
Classification: Likely benign. Last evaluated: 2024-10-07. Review status: criteria provided, single submitter. Criteria: Invitae Variant Classification Sherloc (09022015). Collection method: clinical testing. Allele origin: germline.

NM_020738.4(KIDINS220):c.1806C>T (p.Tyr602=)

Gene: KIDINS220 (kinase D interacting substrate 220; minus strand). Cytogenetic location: 2p25.1.
Variant type: single nucleotide variant.
Coding change: c.1806C>T on transcript NM_020738.4 (MANE Select); coding-DNA position 1806, C replaced by T.
Protein change: p.Tyr602=; no amino-acid change (tyrosine 602 retained).
Molecular consequence: synonymous variant. On other transcripts: non-coding transcript variant (2).
Genome position (GRCh38, 1-based): chr2:8,786,339, G>A on the plus strand (C>T on the coding strand, the complement: KIDINS220 is on the minus strand). VCF-style: chr2-8786339-G-A. GRCh37 (hg19) VCF-style: chr2-8926469-G-A.
Other names: c.1806C>T, p.Tyr602= (NM_001348738.2, NM_001348741.2, NM_001348742.2 and 3 more transcripts); c.1809C>T, p.Tyr603= (NM_001348739.2, NM_001348740.2, NM_001348745.2 and 3 more transcripts); c.1806C>T (NM_020738.2); c.1680C>T, p.Tyr560= (NM_001348736.2).
Identifiers: ClinVar variation 1644085 (VCV001644085.9), dbSNP rs200916069, ClinGen allele CA1520087.